The following is an entry in ClinVar:

ClinVar aggregate classification (germline): Benign/Likely benign. Review status: criteria provided, multiple submitters, no conflicts (2 of 4 stars). 6 submissions from 6 submitters: Benign (1); Likely benign (4). 1 of the submissions does not count toward it. Last evaluated 2026-02-01.

Conditions:
ADAMTS13-related disorder. Also called: ADAMTS13-related condition.
Upshaw-Schulman syndrome (TTP). Also called: THROMBOTIC THROMBOCYTOPENIC PURPURA, HEREDITARY; Congenital thrombotic thrombocytopenic purpura. Identifiers: Orphanet 93583, MedGen C1268935, MONDO:0010122, OMIM 274150.

Allele frequency attached by ClinVar (database versions not stated): gnomAD exomes 0.00021 and 0.00057; ExAC 0.00066; 1000 Genomes Project 30x 0.00094; 1000 Genomes Project 0.00100; gnomAD 0.00203 and 0.00225; TOPMed 0.00235; ESP Exome Variant Server 0.00293.
gnomAD v4.1: 613 of 1,612,390 alleles (0.038%); highest among the groups gnomAD compares: African/African-American, 0.73%; 6 homozygotes.

Submissions (6):

Labcorp Genetics (formerly Invitae), Labcorp
Classification: Likely benign. Last evaluated: 2026-02-01. Review status: criteria provided, single submitter. Criteria: Invitae Variant Classification Sherloc (09022015). Collection method: clinical testing. Allele origin: germline.

Mayo Clinic Laboratories, Mayo Clinic
Classification: Benign. Last evaluated: 2024-10-30. Review status: criteria provided, single submitter. Criteria: ACMG Guidelines, 2015. Collection method: clinical testing. Allele origin: germline. Observed: 9 variant alleles.
Comment: BS1, BS2, BP4

Blueprint Genetics
Classification: Likely benign. Last evaluated: 2024-08-21. Review status: criteria provided, single submitter. Criteria: ACMG Guidelines, 2015. Collection method: clinical testing. Allele origin: germline.

Fulgent Genetics
Classification: Likely benign for Upshaw-Schulman syndrome. Last evaluated: 2021-07-06. Review status: criteria provided, single submitter. Criteria: ACMG Guidelines, 2015. Collection method: clinical testing. Allele origin: unknown.

Illumina Laboratory Services, Illumina
Classification: Likely benign for Upshaw-Schulman syndrome. Last evaluated: 2017-04-27. Review status: criteria provided, single submitter. Criteria: ICSL Variant Classification Criteria 13 December 2019. Collection method: clinical testing. Allele origin: germline.
Comment: This variant was observed as part of a predisposition screen in an ostensibly healthy population. A literature search was performed for the gene, cDNA change, and amino acid change (where applicable). No publications were found based on this search. Allele frequency data from public databases allowed determination this variant is unlikely to cause disease. Therefore, this variant is classified as likely benign.

PreventionGenetics, part of Exact Sciences
Classification: Likely benign for ADAMTS13-related condition. Last evaluated: 2021-04-22. Review status: no assertion criteria provided. Collection method: clinical testing. Allele origin: germline. Not counted in ClinVar's aggregate classification.
Comment: This variant is classified as likely benign based on ACMG/AMP sequence variant interpretation guidelines (Richards et al. 2015 PMID: 25741868, with internal and published modifications).

NM_139027.6(ADAMTS13):c.3400+45C>T

Gene: ADAMTS13 (ADAM metallopeptidase with thrombospondin type 1 motif 13; plus strand). Cytogenetic location: 9q34.2.
Variant type: single nucleotide variant.
Coding change: c.3400+45C>T on transcript NM_139027.6 (MANE Select); 45 bases into the intron after coding-DNA position 3400, C replaced by T.
Molecular consequence: intron variant. On other transcripts: missense variant (1).
Genome position (GRCh38, 1-based): chr9:133,455,480, C>T. VCF-style: chr9-133455480-C-T. GRCh37 (hg19) VCF-style: chr9-136320602-C-T.
Other names: p.Arg1149Trp; c.3445C>T, p.Arg1149Trp (NM_139025.5); c.3307+45C>T (NM_139026.6); short protein forms R1149W.
Identifiers: ClinVar variation 731727 (VCV000731727.16), dbSNP rs141494468, ClinGen allele CA200944171.